The following is an entry in ClinVar:

NM_004415.4(DSP):c.6053T>C (p.Ile2018Thr)

Gene: DSP (desmoplakin; plus strand). Cytogenetic location: 6p24.3.
Variant type: single nucleotide variant.
Coding change: c.6053T>C on transcript NM_004415.4 (MANE Select); coding-DNA position 6053, T replaced by C.
Protein change: p.Ile2018Thr; replaces isoleucine 2018 with threonine.
Molecular consequence: missense variant.
Genome position (GRCh38, 1-based): chr6:7,583,315, T>C. VCF-style: chr6-7583315-T-C. GRCh37 (hg19) VCF-style: chr6-7583548-T-C.
Other names: c.6053T>C (LRG_423t1); c.4256T>C, p.Ile1419Thr (NM_001008844.3); c.4724T>C, p.Ile1575Thr (NM_001319034.2); short protein forms I2018T, I1419T, I1575T.
Identifiers: ClinVar variation 629643 (VCV000629643.4), dbSNP rs1561701890, ClinGen allele CA362689985.
Genomic context (GRCh38, chr6:7,583,315, plus strand): 5'-AGAAGTCAGTGGAAGAAGTTGCTTCTGAAATCCAGCCATTCCTTCGGGGTGCAGGATCTA[T>C]CGCTGGAGCATCTGCTTCTCCTAAGGAAAAATACTCTTTGGTAGAGGCCAAGAGAAAGAA-3'
Protein context (NP_004406.2, residues 2008-2028): IQPFLRGAGS[Ile2018Thr]AGASASPKEK

ClinVar aggregate classification (germline): Uncertain significance (1 of 4 stars; one submission).

Conditions:
Cardiomyopathy (CMYO). Also called: Cardiomyopathies. Identifiers: Orphanet 167848, MedGen C0878544, MONDO:0004994, HP:0001638. Inheritance: Various modes of inheritance.

Submission:

Color Diagnostics, LLC DBA Color Health
Classification: Uncertain significance for Cardiomyopathy. Last evaluated: 2023-12-04. Review status: criteria provided, single submitter. Criteria: ACMG Guidelines, 2015. Collection method: clinical testing. Allele origin: germline.
Comment: Variant of Uncertain Significance due to insufficient evidence: This missense variant is located in the C-terminal plakin repeat domain A of the DSP protein. Computational prediction tools and conservation analyses are inconclusive regarding the impact of this variant on the protein function. Computational splicing tools suggest that this variant may not impact RNA splicing. To our knowledge, functional assays have not been performed for this variant nor has this variant been reported in individuals affected with cardiovascular disorders in the literature. This variant is rare in the general population and has been identified in 0/277264 chromosomes by the Genome Aggregation Database (gnomAD). Available evidence is insufficient to determine the pathogenicity of this variant conclusively.